The following is an entry in ClinVar:

ClinVar aggregate classification (germline): Conflicting classifications of pathogenicity. Review status: criteria provided, conflicting classifications (1 of 4 stars). 9 submissions from 9 submitters: Uncertain significance (7); Benign (1). 1 of the submissions does not count toward it. Last evaluated 2025-07-30.

Conditions:
Spastic paraplegia. Identifiers: MedGen C0037772, HP:0001258.
Hereditary spastic paraplegia. Also called: Familial spastic paraparesis. Identifiers: Orphanet 685, MedGen C0037773, MONDO:0019064. Disease mechanism: loss of function.
Charlevoix-Saguenay spastic ataxia (SACS). Also called: AUTOSOMAL RECESSIVE SPASTIC ATAXIA OF CHARLEVOIX-SAGUENAY; SPASTIC ATAXIA 6, AUTOSOMAL RECESSIVE; Spastic ataxia of Charlevoix-Saguenay. Identifiers: Orphanet 98, MedGen C1849140, MONDO:0010041, OMIM 270550.

Allele frequency attached by ClinVar (database versions not stated): gnomAD 0.00003 and 0.00004; TOPMed 0.00003; ExAC 0.00007; gnomAD exomes 0.00009.
gnomAD v4.1: 114 of 1,613,570 alleles (0.0071%); highest among the groups gnomAD compares: Middle Eastern, 0.049%; 1 homozygote.

Submissions (9):

Labcorp Genetics (formerly Invitae), Labcorp
Classification: Benign for Spastic paraplegia. Last evaluated: 2025-07-30. Review status: criteria provided, single submitter. Criteria: Invitae Variant Classification Sherloc (09022015). Collection method: clinical testing. Allele origin: germline.

Women's Health and Genetics/Laboratory Corporation of America, LabCorp
Classification: Uncertain significance. Last evaluated: 2025-07-09. Review status: criteria provided, single submitter. Criteria: LabCorp Variant Classification Summary - May 2015. Collection method: clinical testing. Allele origin: germline.
Comment: Variant summary: SACS c.7150G>A (p.Glu2384Lys) results in a conservative amino acid change in the encoded protein sequence. Algorithms developed to predict the effect of missense changes on protein structure and function are either unavailable or do not agree on the potential impact of this missense change. The variant allele was found at a frequency of 8.8e-05 in 250468 control chromosomes. This frequency is not significantly higher than estimated for a pathogenic variant in SACS causing Charlevoix-Saguenay spastic ataxia, allowing no conclusion about variant significance. c.7150G>A has been observed in an individual affected with Charlevoix-Saguenay spastic ataxia (Abolhassani_2024). These report(s) do not provide unequivocal conclusions about association of the variant with Charlevoix-Saguenay spastic ataxia. To our knowledge, no experimental evidence demonstrating an impact on protein function has been reported. The following publication have been ascertained in the context of this evaluation (PMID: 38374194). ClinVar contains an entry for this variant (Variation ID: 806986). Based on the evidence outlined above, the variant was classified as uncertain significance.

Athena Diagnostics
Classification: Uncertain significance. Last evaluated: 2025-06-27. Review status: criteria provided, single submitter. Criteria: Athena Diagnostics Criteria. Collection method: clinical testing. Allele origin: unknown.
Comment: Available data are insufficient to determine the clinical significance of the variant at this time. The frequency of this variant in the general population is uninformative in assessment of its pathogenicity. Polyphen and MutationTaster predict this amino acid change may be benign.

Genome-Nilou Lab
Classification: Uncertain significance for Charlevoix-Saguenay spastic ataxia. Last evaluated: 2021-09-05. Review status: criteria provided, single submitter. Criteria: ACMG Guidelines, 2015. Collection method: clinical testing. Allele origin: germline. Affected: no.

Kariminejad - Najmabadi Pathology & Genetics Center
Classification: Uncertain significance. Last evaluated: 2019-09-17. Review status: criteria provided, single submitter. Criteria: ACMG Guidelines, 2015. Collection method: clinical testing. Allele origin: germline. Inheritance: Autosomal recessive inheritance. Affected: yes.
Comment: PM2, PP3

CeGaT Center for Human Genetics Tuebingen
Classification: Uncertain significance. Last evaluated: 2019-04-01. Review status: criteria provided, single submitter. Criteria: CeGaT Center For Human Genetics Tuebingen Variant Classification Criteria Version 2. Collection method: clinical testing. Allele origin: germline. Affected: yes. Observed: 1 variant allele.

Illumina Laboratory Services, Illumina
Classification: Uncertain significance for Charlevoix-Saguenay spastic ataxia. Last evaluated: 2018-01-13. Review status: criteria provided, single submitter. Criteria: ICSL Variant Classification Criteria 13 December 2019. Collection method: clinical testing. Allele origin: germline.

Genome Diagnostics Laboratory, The Hospital for Sick Children
Classification: Uncertain significance for Hereditary spastic paraplegia. Last evaluated: 2016-12-12. Review status: criteria provided, single submitter. Criteria: ACMG Guidelines, 2015. Collection method: clinical testing. Allele origin: germline. Affected: yes.

Natera, Inc.
Classification: Uncertain significance for Charlevoix-Saguenay type spastic ataxia. Last evaluated: 2020-01-17. Review status: no assertion criteria provided. Collection method: clinical testing. Allele origin: germline. Not counted in ClinVar's aggregate classification.

Literature cited by the submitters: PubMed 38374194 (cited by Women's Health and Genetics/Laboratory Corporation of America, LabCorp and Athena Diagnostics).

NM_014363.6(SACS):c.7150G>A (p.Glu2384Lys)

Gene: SACS (sacsin molecular chaperone; minus strand). Cytogenetic location: 13q12.12.
Variant type: single nucleotide variant.
Coding change: c.7150G>A on transcript NM_014363.6 (MANE Select); coding-DNA position 7150, G replaced by A.
Protein change: p.Glu2384Lys; replaces glutamic acid 2384 with lysine.
Molecular consequence: missense variant.
Genome position (GRCh38, 1-based): chr13:23,336,726, C>T on the plus strand (G>A on the coding strand, the complement: SACS is on the minus strand). VCF-style: chr13-23336726-C-T. GRCh37 (hg19) VCF-style: chr13-23910865-C-T.
Other names: c.7150G>A (NM_014363.4); c.6709G>A, p.Glu2237Lys (NM_001278055.2); short protein forms E2237K, E2384K.
Identifiers: ClinVar variation 806986 (VCV000806986.61), dbSNP rs762896797, ClinGen allele CA6910963.